The following is an entry in ClinVar:

NM_015215.4(CAMTA1):c.806-5del

Gene: CAMTA1 (calmodulin binding transcription activator 1; plus strand). Cytogenetic location: 1p36.23.
Variant type: Deletion.
Coding change: c.806-5del on transcript NM_015215.4 (MANE Select); 5 bases into the intron before coding-DNA position 806, one base deleted (C; older notation c.806-5delC).
Molecular consequence: intron variant.
Genome position (GRCh38, 1-based): chr1:7,663,348, C deleted; the last of 2 consecutive C bases (chr1:7,663,347-7,663,348); deleting either gives the same sequence. VCF-style (leftmost placement, unchanged base first): chr1-7663346-TC-T. GRCh37 (hg19) VCF-style: chr1-7723406-TC-T.
Other names: p.?; c.806-5del (NM_001349609.2, NM_001349610.2); c.716-5del (NM_001349608.2, NM_001349612.2).
Identifiers: ClinVar variation 235450 (VCV000235450.11), dbSNP rs200318010, ClinGen allele CA566300.

ClinVar aggregate classification (germline): Benign. Review status: criteria provided, multiple submitters, no conflicts (2 of 4 stars). 3 submissions from 3 submitters: Benign (3). Last evaluated 2026-01-23.

Submissions (3):

Labcorp Genetics (formerly Invitae), Labcorp
Classification: Benign. Last evaluated: 2026-01-23. Review status: criteria provided, single submitter. Criteria: Invitae Variant Classification Sherloc (09022015). Collection method: clinical testing. Allele origin: germline.

Mayo Clinic Laboratories, Mayo Clinic
Classification: Benign. Last evaluated: 2023-05-04. Review status: criteria provided, single submitter. Criteria: ACMG Guidelines, 2015. Collection method: clinical testing. Allele origin: germline. Observed: 12 variant alleles.
Comment: BA1, BS2, BP4, BP7

Center for Pediatric Genomic Medicine, Children's Mercy Hospital and Clinics
Classification: Benign. Last evaluated: 2016-05-17. Review status: criteria provided, single submitter. Criteria: ACMG Guidelines, 2015. Collection method: clinical testing. Allele origin: germline.